The following is an entry in ClinVar:

ClinVar aggregate classification (germline): Pathogenic. Review status: criteria provided, multiple submitters, no conflicts (2 of 4 stars). 2 submissions from 2 submitters: Pathogenic (2). Last evaluated 2025-09-23.

Conditions:
PSMD12-related disorder. Also called: PSMD12-related condition.
Inborn genetic diseases. Identifiers: MedGen C0950123, MeSH D030342.

Submissions (2):

Ambry Genetics
Classification: Pathogenic for Inborn genetic diseases. Last evaluated: 2025-09-23. Review status: criteria provided, single submitter. Criteria: Ambry Variant Classification Scheme 2023. Collection method: clinical testing. Allele origin: germline.
Comment: The c.865C>T (p.R289*) alteration, located in exon 8 (coding exon 8) of the PSMD12 gene, consists of a C to T substitution at nucleotide position 865. This changes the amino acid from an arginine (R) to a stop codon at amino acid position 289. Premature stop codons are typically deleterious in nature (Richards, 2015). This alteration is expected to result in loss of function by premature protein truncation or nonsense-mediated mRNA decay. This variant was not reported in population-based cohorts in the Genome Aggregation Database (gnomAD). This variant was reported in individuals with features consistent with Stankiewicz-Isidor syndrome; in at least one individual, it was determined to be de novo (Yan, 2022; Feresin, 2025). Based on the available evidence, this alteration is classified as pathogenic.

Blueprint Genetics
Classification: Pathogenic for PSMD12-related disorders. Last evaluated: 2022-03-14. Review status: criteria provided, single submitter. Criteria: ACMG Guidelines, 2015. Collection method: clinical testing. Allele origin: de novo. Affected: yes. Observed: 1 variant allele.

Literature cited by the submitters: PubMed 35080150 (cited by Ambry Genetics); PubMed 39641441 (cited by Ambry Genetics).

NM_002816.5(PSMD12):c.865C>T (p.Arg289Ter)

Gene: PSMD12 (proteasome 26S subunit, non-ATPase 12; minus strand). Cytogenetic location: 17q24.2.
Variant type: single nucleotide variant.
Coding change: c.865C>T on transcript NM_002816.5 (MANE Select); coding-DNA position 865, C replaced by T.
Protein change: p.Arg289Ter; replaces arginine 289 with a stop codon.
Molecular consequence: nonsense.
Genome position (GRCh38, 1-based): chr17:67,345,788, G>A on the plus strand (C>T on the coding strand, the complement: PSMD12 is on the minus strand). VCF-style: chr17-67345788-G-A. GRCh37 (hg19) VCF-style: chr17-65341904-G-A.
Other names: c.688C>T, p.Arg230Ter (NM_001316341.2); c.805C>T, p.Arg269Ter (NM_174871.4); short protein forms R269*, R230*, R289*.
Identifiers: ClinVar variation 4628564 (VCV004628564.2).